The following is an entry in ClinVar:

ClinVar aggregate classification (germline): Pathogenic (1 of 4 stars; one submission).

Conditions:
Curry-Hall syndrome (WAD). Also called: WEYERS ACRODENTAL DYSOSTOSIS. Identifiers: Orphanet 952, MedGen C0457013, MONDO:0008673, OMIM 193530.
Ellis-van Creveld syndrome (EVC). Also called: EVC-Related Ellis-van Creveld Syndrome; EVC2-Related Ellis-van Creveld Syndrome; MESOECTODERMAL DYSPLASIA; Chondroectodermal dysplasia. Identifiers: Orphanet 289, MedGen C0013903, MONDO:0009162, OMIM 225500.

Submission:

Labcorp Genetics (formerly Invitae), Labcorp
Classification: Pathogenic for Curry-Hall syndrome; Ellis-van Creveld syndrome. Last evaluated: 2023-10-14. Review status: criteria provided, single submitter. Criteria: Invitae Variant Classification Sherloc (09022015). Collection method: clinical testing. Allele origin: germline.
Comment: This sequence change creates a premature translational stop signal (p.Leu262Profs*29) in the EVC gene. It is expected to result in an absent or disrupted protein product. Loss-of-function variants in EVC are known to be pathogenic (PMID: 23220543). This variant is not present in population databases (gnomAD no frequency). This variant has not been reported in the literature in individuals affected with EVC-related conditions. For these reasons, this variant has been classified as Pathogenic.

Literature cited by the submitters: PubMed 23220543.

NM_153717.3(EVC):c.784dup (p.Leu262fs)

Gene: EVC (EvC ciliary complex subunit 1; plus strand). Cytogenetic location: 4p16.2.
Variant type: Duplication.
Coding change: c.784dup on transcript NM_153717.3 (MANE Select); coding-DNA position 784, one base duplicated (C; older notation c.784dupC).
Protein change: p.Leu262fs; shifts the reading frame from leucine 262.
Molecular consequence: frameshift variant.
Genome position (GRCh38, 1-based): chr4:5,741,797, C duplicated; the last of 2 consecutive C bases (chr4:5,741,796-5,741,797); duplicating either gives the same sequence. VCF-style (leftmost placement, unchanged base first): chr4-5741795-T-TC. GRCh37 (hg19) VCF-style: chr4-5743522-T-TC.
Other names: c.784dup, p.Leu262fs (NM_001306090.2, NM_001306092.2); short protein forms L262fs.
Identifiers: ClinVar variation 2942832 (VCV002942832.3), dbSNP rs1560315890, ClinGen allele CA2740091171.